The following is an entry in ClinVar:

NM_001106.4(ACVR2B):c.527C>G (p.Pro176Arg)

Gene: ACVR2B (activin A receptor type 2B; plus strand). Cytogenetic location: 3p22.2.
Variant type: single nucleotide variant.
Coding change: c.527C>G on transcript NM_001106.4 (MANE Select); coding-DNA position 527, C replaced by G.
Protein change: p.Pro176Arg; replaces proline 176 with arginine.
Molecular consequence: missense variant.
Genome position (GRCh38, 1-based): chr3:38,478,379, C>G. VCF-style: chr3-38478379-C-G. GRCh37 (hg19) VCF-style: chr3-38519870-C-G.
Other names: short protein forms P176R.
Identifiers: ClinVar variation 545542 (VCV000545542.9), dbSNP rs35882617, ClinGen allele CA2318841.

ClinVar aggregate classification (germline): Uncertain significance. Review status: criteria provided, multiple submitters, no conflicts (2 of 4 stars). 3 submissions from 3 submitters: Uncertain significance (2). 1 of the submissions does not count toward it. Last evaluated 2023-12-05.

Conditions:
Heterotaxy, visceral, 4, autosomal (HTX4). Identifiers: Orphanet 450, MedGen C3151057, MONDO:0013403, OMIM 613751.

Allele frequency attached by ClinVar (database versions not stated): ExAC 0.00007; gnomAD exomes 0.00008; TOPMed 0.00009; gnomAD 0.00012 and 0.00013.

Submissions (3):

Labcorp Genetics (formerly Invitae), Labcorp
Classification: Uncertain significance for Heterotaxy, visceral, 4, autosomal. Last evaluated: 2023-12-05. Review status: criteria provided, single submitter. Criteria: Invitae Variant Classification Sherloc (09022015). Collection method: clinical testing. Allele origin: germline.
Comment: This sequence change replaces proline, which is neutral and non-polar, with arginine, which is basic and polar, at codon 176 of the ACVR2B protein (p.Pro176Arg). This variant is present in population databases (rs35882617, gnomAD 0.02%). This missense change has been observed in individual(s) with clinical features consistent with heterotaxy (PMID: 30622330). ClinVar contains an entry for this variant (Variation ID: 545542). Advanced modeling of protein sequence and biophysical properties (such as structural, functional, and spatial information, amino acid conservation, physicochemical variation, residue mobility, and thermodynamic stability) performed at Invitae indicates that this missense variant is not expected to disrupt ACVR2B protein function with a negative predictive value of 95%. In summary, the available evidence is currently insufficient to determine the role of this variant in disease. Therefore, it has been classified as a Variant of Uncertain Significance.

Illumina Laboratory Services, Illumina
Classification: Uncertain significance for Heterotaxy, visceral, 4, autosomal. Last evaluated: 2018-01-12. Review status: criteria provided, single submitter. Criteria: ICSL Variant Classification Criteria 13 December 2019. Collection method: clinical testing. Allele origin: germline.

Lupski Lab, Baylor-Hopkins CMG, Baylor College of Medicine
Classification: Uncertain significance for Heterotaxy, visceral, 4, autosomal. Last evaluated: 2018-05-28. Review status: no assertion criteria provided. Collection method: research. Allele origin: germline. Affected: yes. Observed: 1 variant allele. Not counted in ClinVar's aggregate classification.

Literature cited by the submitters: PubMed 30622330 (cited by Labcorp Genetics (formerly Invitae), Labcorp).